The following is an entry in ClinVar:

NM_000535.7(PMS2):c.251-14A>G

Gene: PMS2 (PMS1 homolog 2, mismatch repair system component; minus strand). Cytogenetic location: 7p22.1.
Variant type: single nucleotide variant.
Coding change: c.251-14A>G on transcript NM_000535.7 (MANE Select); 14 bases into the intron before coding-DNA position 251, A replaced by G.
Molecular consequence: intron variant. On other transcripts: synonymous variant (1).
Genome position (GRCh38, 1-based): chr7:6,003,806, T>C on the plus strand (A>G on the coding strand, the complement: PMS2 is on the minus strand). VCF-style: chr7-6003806-T-C. GRCh37 (hg19) VCF-style: chr7-6043437-T-C.
Other names: c.261A>G, p.Leu87= (NM_001406868.1); c.35+166A>G (NM_001322008.2, NM_001322007.2); c.-155-14A>G (NM_001322010.2, NM_001322004.2, NM_001322013.2 and 3 more transcripts); c.-634-14A>G (NM_001322012.2, NM_001322011.2); c.-234-14A>G (NM_001322015.2); c.251-14A>G (NM_001322006.2, NM_001322014.2).
Identifiers: ClinVar variation 2024552 (VCV002024552.5), dbSNP rs1308776925, ClinGen allele CA2580077025.

ClinVar aggregate classification (germline): Likely benign. Review status: criteria provided, multiple submitters, no conflicts (2 of 4 stars). 2 submissions from 2 submitters: Likely benign (2). Last evaluated 2025-01-24.

Conditions:
Lynch syndrome 4 (LYNCH4). Also called: Hereditary non-polyposis colorectal cancer, type 4; Colorectal cancer, hereditary nonpolyposis, type 4. Identifiers: Orphanet 144, MedGen C1838333, MONDO:0013699, OMIM 614337. Disease mechanism: loss of function.
Hereditary nonpolyposis colorectal neoplasms. Identifiers: MedGen C0009405, MeSH D003123.

Submissions (2):

Myriad Genetics, Inc.
Classification: Likely benign for Lynch syndrome 4. Last evaluated: 2025-01-24. Review status: criteria provided, single submitter. Criteria: Myriad Autosomal Dominant, Autosomal Recessive and X-Linked Classification Criteria (2023). Collection method: clinical testing. Allele origin: unknown.
Comment: This variant is considered likely benign. This variant is intronic and is not expected to impact mRNA splicing.

Labcorp Genetics (formerly Invitae), Labcorp
Classification: Likely benign for Hereditary nonpolyposis colorectal neoplasms. Last evaluated: 2022-08-18. Review status: criteria provided, single submitter. Criteria: Invitae Variant Classification Sherloc (09022015). Collection method: clinical testing. Allele origin: germline.